The following is an entry in ClinVar:

ClinVar aggregate classification (germline): Uncertain significance (1 of 4 stars; one submission).

gnomAD v4.1: 6 of 1,211,611 alleles (0.0005%); highest among the groups gnomAD compares: South Asian, 0.0018%; no homozygotes.

Submission:

Labcorp Genetics (formerly Invitae), Labcorp
Classification: Uncertain significance. Last evaluated: 2025-03-16. Review status: criteria provided, single submitter. Criteria: Invitae Variant Classification Sherloc (09022015). Collection method: clinical testing. Allele origin: germline.
Comment: This sequence change replaces glycine, which is neutral and non-polar, with aspartic acid, which is acidic and polar, at codon 98 of the MAMLD1 protein (p.Gly98Asp). This variant is present in population databases (no rsID available, gnomAD 0.005%). This variant has not been reported in the literature in individuals affected with MAMLD1-related conditions. An algorithm developed to predict the effect of missense changes on protein structure and function (PolyPhen-2) suggests that this variant is likely to be disruptive. In summary, the available evidence is currently insufficient to determine the role of this variant in disease. Therefore, it has been classified as a Variant of Uncertain Significance.

NM_005491.5(MAMLD1):c.293G>A (p.Gly98Asp)

Gene: MAMLD1 (mastermind like domain containing 1; plus strand). Cytogenetic location: Xq28.
Variant type: single nucleotide variant.
Coding change: c.293G>A on transcript NM_005491.5 (MANE Select); coding-DNA position 293, G replaced by A.
Protein change: p.Gly98Asp; replaces glycine 98 with aspartic acid.
Molecular consequence: missense variant.
Genome position (GRCh38, 1-based): chrX:150,469,866, G>A. VCF-style: chrX-150469866-G-A. GRCh37 (hg19) VCF-style: chrX-149638138-G-A.
Other names: c.218G>A, p.Gly73Asp (NM_001177465.3, NM_001177466.3, NM_001400514.1); c.293G>A, p.Gly98Asp (NM_001400512.1, NM_001400513.1, NM_001400515.1); short protein forms G98D, G73D.
Identifiers: ClinVar variation 4694410 (VCV004694410.1).